The following is an entry in ClinVar:

ClinVar aggregate classification (germline): Uncertain significance (1 of 4 stars; one submission).

Conditions:
Cardiomyopathy (CMYO). Also called: Cardiomyopathies. Identifiers: Orphanet 167848, MedGen C0878544, MONDO:0004994, HP:0001638. Inheritance: Various modes of inheritance.

gnomAD v4.1: 1 of 1,614,196 alleles (0.000062%); highest among the groups gnomAD compares: Middle Eastern, 0.016%; no homozygotes.

Submission:

Color Diagnostics, LLC DBA Color Health
Classification: Uncertain significance for Cardiomyopathy. Last evaluated: 2025-07-08. Review status: criteria provided, single submitter. Criteria: ACMG Guidelines, 2015. Collection method: clinical testing. Allele origin: germline.
Comment: This missense variant replaces glutamine with glutamic acid at codon 2762 of the DSP protein. Computational prediction suggests that this variant may not impact protein structure and function. To our knowledge, functional studies have not been reported for this variant. This variant has not been reported in individuals affected with DSP-related disorders in the literature. This variant has not been identified in the general population by the Genome Aggregation Database (gnomAD). The available evidence is insufficient to determine the role of this variant in disease conclusively. Therefore, this variant is classified as a Variant of Uncertain Significance.

NM_004415.4(DSP):c.8284C>G (p.Gln2762Glu)

Gene: DSP (desmoplakin; plus strand). Cytogenetic location: 6p24.3.
Variant type: single nucleotide variant.
Coding change: c.8284C>G on transcript NM_004415.4 (MANE Select); coding-DNA position 8284, C replaced by G.
Protein change: p.Gln2762Glu; replaces glutamine 2762 with glutamic acid.
Molecular consequence: missense variant.
Genome position (GRCh38, 1-based): chr6:7,585,546, C>G. VCF-style: chr6-7585546-C-G. GRCh37 (hg19) VCF-style: chr6-7585779-C-G.
Other names: c.6487C>G, p.Gln2163Glu (NM_001008844.3); c.6955C>G, p.Gln2319Glu (NM_001319034.2); short protein forms Q2163E, Q2319E, Q2762E.
Identifiers: ClinVar variation 4758894 (VCV004758894.1).